The following is an entry in ClinVar:

ClinVar aggregate classification (germline): Uncertain significance (1 of 4 stars; one submission).

Submission:

GeneDx
Classification: Uncertain significance. Last evaluated: 2026-04-21. Review status: criteria provided, single submitter. Criteria: GeneDx Variant Classification Process June 2021. Collection method: clinical testing. Allele origin: germline.
Comment: Has not been previously published as pathogenic or benign to our knowledge; No data available from control populations to assess the frequency of this variant; In silico analysis suggests this variant may impact gene splicing. In the absence of RNA/functional studies, the actual effect of this sequence change is unknown.

NM_020795.4(NLGN2):c.1634+103G>T

Gene: NLGN2 (neuroligin 2; plus strand). Cytogenetic location: 17p13.1.
Variant type: single nucleotide variant.
Coding change: c.1634+103G>T on transcript NM_020795.4 (MANE Select); 103 bases into the intron after coding-DNA position 1634, G replaced by T.
Molecular consequence: intron variant.
Genome position (GRCh38, 1-based): chr17:7,416,210, G>T. VCF-style: chr17-7416210-G-T. GRCh37 (hg19) VCF-style: chr17-7319529-G-T.
Identifiers: ClinVar variation 5037393 (VCV005037393.1).
Genomic context (GRCh38, chr17:7,416,210, plus strand): 5'-CTCCTTCACATGGCCGCCGTTCCTCTGTTAAGGCACTCACTCTGGCCTGCCCTCTTGCTC[G>T]AGTGAAACCAACCCAGACACCTCTGTGCCAGGCACGGAGTTGAGCGTTGGAGACTCAGCA-3'